The following is an entry in ClinVar:

NM_006206.6(PDGFRA):c.2000C>T (p.Ser667Leu)

Gene: PDGFRA (platelet derived growth factor receptor alpha; plus strand). Cytogenetic location: 4q12.
Variant type: single nucleotide variant.
Coding change: c.2000C>T on transcript NM_006206.6 (MANE Select); coding-DNA position 2000, C replaced by T.
Protein change: p.Ser667Leu; replaces serine 667 with leucine.
Molecular consequence: missense variant.
Genome position (GRCh38, 1-based): chr4:54,278,004, C>T. VCF-style: chr4-54278004-C-T. GRCh37 (hg19) VCF-style: chr4-55144171-C-T.
Other names: c.2000C>T, p.Ser667Leu (NM_001347827.2, NM_001347829.2); c.2075C>T, p.Ser692Leu (NM_001347828.2); c.2039C>T, p.Ser680Leu (NM_001347830.2); short protein forms S667L, S680L, S692L.
Identifiers: ClinVar variation 950172 (VCV000950172.10), dbSNP rs1723832897, ClinGen allele CA356893802.
Genomic context (GRCh38, chr4:54,278,004, plus strand): 5'-TAATGACTCACCTGGGGCCACATTTGAACATTGTAAACTTGCTGGGAGCCTGCACCAAGT[C>T]AGGTGGGCTCACTGACCTGGAGTGAGGATTTTCACTGGACACATGTGGTTGTGAAAACTG-3'
Protein context (NP_006197.1, residues 657-677): IVNLLGACTK[Ser667Leu]GPIYIITEYC

ClinVar aggregate classification (germline): Uncertain significance (1 of 4 stars; one submission).

Conditions:
Gastrointestinal stromal tumor. Also called: Gastrointestinal stromal tumor, somatic; Gastrointestinal stroma tumor. Identifiers: Orphanet 44890, MedGen C0238198, MeSH D046152, MONDO:0011719, OMIM 606764, HP:0100723.

Allele frequency attached by ClinVar (database versions not stated): gnomAD 0.00001.
gnomAD v4.1: 1 of 1,583,632 alleles (0.000063%); highest among the groups gnomAD compares: African/African-American, 0.0013%; no homozygotes.

Submission:

Labcorp Genetics (formerly Invitae), Labcorp
Classification: Uncertain significance for Gastrointestinal stromal tumor. Last evaluated: 2023-02-27. Review status: criteria provided, single submitter. Criteria: Invitae Variant Classification Sherloc (09022015). Collection method: clinical testing. Allele origin: germline.
Comment: This sequence change replaces serine, which is neutral and polar, with leucine, which is neutral and non-polar, at codon 667 of the PDGFRA protein (p.Ser667Leu). This variant is not present in population databases (gnomAD no frequency). This variant has not been reported in the literature in individuals affected with PDGFRA-related conditions. ClinVar contains an entry for this variant (Variation ID: 950172). An algorithm developed to predict the effect of missense changes on protein structure and function (PolyPhen-2) suggests that this variant is likely to be disruptive. In summary, the available evidence is currently insufficient to determine the role of this variant in disease. Therefore, it has been classified as a Variant of Uncertain Significance.